The following is an entry in ClinVar:

NM_002691.4(POLD1):c.2561A>C (p.Asp854Ala)

Gene: POLD1 (DNA polymerase delta 1, catalytic subunit; plus strand). Cytogenetic location: 19q13.33.
Variant type: single nucleotide variant.
Coding change: c.2561A>C on transcript NM_002691.4 (MANE Select); coding-DNA position 2561, A replaced by C.
Protein change: p.Asp854Ala; replaces aspartic acid 854 with alanine.
Molecular consequence: missense variant. On other transcripts: non-coding transcript variant (1).
Genome position (GRCh38, 1-based): chr19:50,414,987, A>C. VCF-style: chr19-50414987-A-C. GRCh37 (hg19) VCF-style: chr19-50918244-A-C.
Other names: c.2561A>C, p.Asp854Ala (NM_001256849.1, NM_001438212.1, NM_001438213.1); c.2639A>C, p.Asp880Ala (NM_001308632.1); c.2489A>C, p.Asp830Ala (NM_001438210.1, NM_001438211.1); short protein forms D880A, D830A, D854A.
Identifiers: ClinVar variation 4669481 (VCV004669481.1).
Genomic context (GRCh38, chr19:50,414,987, plus strand): 5'-GGGACAACTGCCCCCTCGTGGCCAACCTGGTCACTGCCTCACTGCGCCGCCTGCTCATCG[A>C]CCGGTGTGTGGGGCCTCCTCCCTCAGACTCAGGGGGCTGGGCCCCAAACCCCTCCTCCCT-3'
Protein context (NP_002682.2, residues 844-864): VTASLRRLLI[Asp854Ala]RDPEGAVAHA

ClinVar aggregate classification (germline): Uncertain significance (1 of 4 stars; one submission).

Conditions:
Hereditary cancer-predisposing syndrome. Also called: Neoplastic Syndromes, Hereditary; Tumor predisposition; Hereditary Cancer Syndrome; Hereditary neoplastic syndrome. Identifiers: Orphanet 140162, MedGen C0027672, MeSH D009386, MONDO:0015356.

Submission:

Ambry Genetics
Classification: Uncertain significance for Hereditary cancer-predisposing syndrome. Last evaluated: 2025-12-13. Review status: criteria provided, single submitter. Criteria: Ambry Variant Classification Scheme 2023. Collection method: clinical testing. Allele origin: germline.
Comment: The p.D854A variant (also known as c.2561A>C), located in coding exon 19 of the POLD1 gene, results from an A to C substitution at nucleotide position 2561. The aspartic acid at codon 854 is replaced by alanine, an amino acid with dissimilar properties. This amino acid position is conserved. In addition, this alteration is predicted to be tolerated by in silico analysis. Based on the available evidence, the clinical significance of this variant remains unclear.